The following is an entry in ClinVar:

ClinVar aggregate classification (germline): Uncertain significance (1 of 4 stars; one submission).

Conditions:
Acute myeloid leukemia (AML). Also called: Leukemia, acute myeloid, somatic; Leukemia, acute myelogenous, somatic; Acute myeloid leukemia, adult; AML adult; Acute non-lymphocytic leukemia; Acute granulocytic leukemia. Identifiers: Orphanet 519, MedGen C0023467, MeSH D015470, MONDO:0018874, OMIM 601626, HP:0004808. Disease mechanism: Constitutively activated FLT3.

Submission:

Labcorp Genetics (formerly Invitae), Labcorp
Classification: Uncertain significance for Acute myeloid leukemia. Last evaluated: 2024-07-08. Review status: criteria provided, single submitter. Criteria: Invitae Variant Classification Sherloc (09022015). Collection method: clinical testing. Allele origin: germline.
Comment: This sequence change replaces methionine, which is neutral and non-polar, with valine, which is neutral and non-polar, at codon 15 of the CEBPA protein (p.Met15Val). This variant is not present in population databases (gnomAD no frequency). This variant has not been reported in the literature in individuals affected with CEBPA-related conditions. ClinVar contains an entry for this variant (Variation ID: 1394560). Advanced modeling of protein sequence and biophysical properties (such as structural, functional, and spatial information, amino acid conservation, physicochemical variation, residue mobility, and thermodynamic stability) performed at Invitae indicates that this missense variant is not expected to disrupt CEBPA protein function with a negative predictive value of 80%. In summary, the available evidence is currently insufficient to determine the role of this variant in disease. Therefore, it has been classified as a Variant of Uncertain Significance.

NM_004364.5(CEBPA):c.43A>G (p.Met15Val)

Genes: CEBPA (CCAAT enhancer binding protein alpha; minus strand), LOC130064183 (ATAC-STARR-seq lymphoblastoid silent region 10495; plus strand). Cytogenetic location: 19q13.11.
Variant type: single nucleotide variant.
Coding change: c.43A>G on transcript NM_004364.5 (MANE Select); coding-DNA position 43, A replaced by G.
Protein change: p.Met15Val; replaces methionine 15 with valine.
Molecular consequence: missense variant. On other transcripts: 5 prime UTR variant (1), initiator codon variant (1).
Genome position (GRCh38, 1-based): chr19:33,302,372, T>C on the plus strand (A>G on the coding strand, the complement: CEBPA is on the minus strand). VCF-style: chr19-33302372-T-C. GRCh37 (hg19) VCF-style: chr19-33793278-T-C.
Other names: c.-315A>G (NM_001285829.2); c.148A>G, p.Met50Val (NM_001287424.2); c.1A>G, p.Met1Val (NM_001287435.2); short protein forms M15V, M1V, M50V.
Identifiers: ClinVar variation 1394560 (VCV001394560.9), dbSNP rs1967203329, ClinGen allele CA405275802.